The following is an entry in ClinVar:

NM_182961.4(SYNE1):c.2394+5G>A

Gene: SYNE1 (spectrin repeat containing nuclear envelope protein 1; minus strand). Cytogenetic location: 6q25.2.
Variant type: single nucleotide variant.
Coding change: c.2394+5G>A on transcript NM_182961.4 (MANE Select); 5 bases into the intron after coding-DNA position 2394, G replaced by A.
Molecular consequence: intron variant.
Genome position (GRCh38, 1-based): chr6:152,461,592, C>T on the plus strand (G>A on the coding strand, the complement: SYNE1 is on the minus strand). VCF-style: chr6-152461592-C-T. GRCh37 (hg19) VCF-style: chr6-152782727-C-T.
Other names: c.2415+5G>A (NM_033071.5).
Identifiers: ClinVar variation 1507927 (VCV001507927.7), dbSNP rs199933019, ClinGen allele CA4059154.

ClinVar aggregate classification (germline): Uncertain significance (1 of 4 stars; one submission).

Conditions:
Autosomal recessive ataxia, Beauce type. Also called: SYNE1-Related Autosomal Recessive Cerebellar Ataxia; Spinocerebellar ataxia, autosomal recessive 8; ATAXIA, RECESSIVE, OF BEAUCE; SYNE1 Deficiency. Identifiers: Orphanet 88644, MedGen C1853116, MONDO:0012549, OMIM 610743.
Emery-Dreifuss muscular dystrophy 4, autosomal dominant (EDMD4). Also called: EMERY-DREIFUSS MUSCULAR DYSTROPHY 4 WITH VARIABLE FEATURES. Identifiers: Orphanet 261, MedGen C2751807, MONDO:0013071, OMIM 612998.

Allele frequency attached by ClinVar (database versions not stated): ExAC 0.00001; gnomAD exomes 0.00001; TOPMed 0.00001; gnomAD 0.00002 and 0.00003.
gnomAD v4.1: 10 of 1,613,776 alleles (0.00062%); highest among the groups gnomAD compares: African/African-American, 0.004%; 1 homozygote.

Submissions (2):

Labcorp Genetics (formerly Invitae), Labcorp
Classification: Uncertain significance for Emery-Dreifuss muscular dystrophy 4, autosomal dominant; Autosomal recessive ataxia, Beauce type. Last evaluated: 2021-03-12. Review status: criteria provided, single submitter. Criteria: Invitae Variant Classification Sherloc (09022015). Collection method: clinical testing. Allele origin: germline.
Comment: Nucleotide substitutions within the consensus splice site are a relatively common cause of aberrant splicing (PMID: 17576681, 9536098). Algorithms developed to predict the effect of sequence changes on RNA splicing suggest that this variant may disrupt the consensus splice site, but this prediction has not been confirmed by published transcriptional studies. In summary, the available evidence is currently insufficient to determine the role of this variant in disease. Therefore, it has been classified as a Variant of Uncertain Significance. This variant has not been reported in the literature in individuals with SYNE1-related conditions. This variant is present in population databases (rs199933019, ExAC 0.01%). This sequence change falls in intron 21 of the SYNE1 gene. It does not directly change the encoded amino acid sequence of the SYNE1 protein. It affects a nucleotide within the consensus splice site of the intron.

Dr. Peter K. Rogan Lab, Western University
No classification provided (evidence only). Condition: Familial cancer of breast. Review status: no classification provided. Collection method: in vitro. Allele origin: not applicable. Functional consequence: retained intron. Not counted in ClinVar's aggregate classification.

Literature cited by the submitters: PubMed 17576681 (cited by Labcorp Genetics (formerly Invitae), Labcorp); PubMed 9536098 (cited by Labcorp Genetics (formerly Invitae), Labcorp).